The following is an entry in ClinVar:

ClinVar aggregate classification (germline): Conflicting classifications of pathogenicity. Review status: criteria provided, conflicting classifications (1 of 4 stars). 4 submissions from 4 submitters: Uncertain significance (2); Likely benign (2). Last evaluated 2025-12-17.

Conditions:
Hereditary cancer-predisposing syndrome. Also called: Hereditary Cancer Syndrome; Neoplastic Syndromes, Hereditary; Hereditary neoplastic syndrome; Tumor predisposition. Identifiers: Orphanet 140162, MedGen C0027672, MeSH D009386, MONDO:0015356.
Gorlin syndrome. Also called: Nevoid Basal Cell Carcinoma Syndrome; Basal cell nevus syndrome. Identifiers: Orphanet 377, MedGen C0004779, MONDO:0007187.

Allele frequency attached by ClinVar (database versions not stated): gnomAD 0.00001; gnomAD exomes 0.00001; TOPMed 0.00001; ESP Exome Variant Server 0.00008.
gnomAD v4.1: 17 of 1,613,992 alleles (0.0011%); highest among the groups gnomAD compares: Admixed American, 0.0033%; no homozygotes.

Submissions (4):

Labcorp Genetics (formerly Invitae), Labcorp
Classification: Likely benign for Gorlin syndrome. Last evaluated: 2025-12-17. Review status: criteria provided, single submitter. Criteria: Invitae Variant Classification Sherloc (09022015). Collection method: clinical testing. Allele origin: germline.

Ambry Genetics
Classification: Likely benign for Hereditary cancer-predisposing syndrome. Last evaluated: 2025-01-16. Review status: criteria provided, single submitter. Criteria: Ambry Variant Classification Scheme 2023. Collection method: clinical testing. Allele origin: germline.

GeneDx
Classification: Uncertain significance. Last evaluated: 2022-12-16. Review status: criteria provided, single submitter. Criteria: GeneDx Variant Classification Process June 2021. Collection method: clinical testing. Allele origin: germline. Affected: yes.
Comment: Not observed at significant frequency in large population cohorts (gnomAD); In silico analysis supports that this missense variant does not alter protein structure/function; Observed in an individual with low grade glioma (Zhang et al., 2015); This variant is associated with the following publications: (PMID: 11331587, 26580448)

Sema4
Classification: Uncertain significance for Hereditary cancer-predisposing syndrome. Last evaluated: 2022-03-13. Review status: criteria provided, single submitter. Criteria: Sema4 Curation Guidelines. Collection method: curation. Allele origin: germline.
Comment: The PTCH1 c.1910C>T (p.T637I) variant has not been reported in the literature to our knowledge. It was observed in 1/34590 chromosomes of the Latino/Admixed American subpopulation, in the large and broad cohorts of the Genome Aggregation Database (PMID: 32461654). This variant has been reported in ClinVar (Variation ID: 820324). Functional studies have not been performed, and in silico predictions of the variant's effect on protein function are inconclusive. The evidence is insufficient to meet ACMG/AMP criteria for classifying the variant as benign or pathogenic. Thus, the clinical significance of this variant is currently uncertain.

Literature cited by the submitters: PubMed 26580448 (cited by Ambry Genetics).

NM_000264.5(PTCH1):c.1910C>T (p.Thr637Ile)

Genes: PTCH1 (patched 1; minus strand), LOC100507346 (uncharacterized LOC100507346; plus strand). Cytogenetic location: 9q22.32.
Variant type: single nucleotide variant.
Coding change: c.1910C>T on transcript NM_000264.5 (MANE Select); coding-DNA position 1910, C replaced by T.
Protein change: p.Thr637Ile; replaces threonine 637 with isoleucine.
Molecular consequence: missense variant. On other transcripts: non-coding transcript variant (2).
Genome position (GRCh38, 1-based): chr9:95,469,091, G>A on the plus strand (C>T on the coding strand, the complement: PTCH1 is on the minus strand). VCF-style: chr9-95469091-G-A. GRCh37 (hg19) VCF-style: chr9-98231373-G-A.
Other names: c.1712C>T, p.Thr571Ile (NM_001083602.3); c.1907C>T, p.Thr636Ile (NM_001083603.3); c.1457C>T, p.Thr486Ile (NM_001083604.3, NM_001083605.3, NM_001083606.3 and 1 more transcripts); c.1754C>T, p.Thr585Ile (NM_001354918.2); short protein forms T571I, T585I, T486I, T636I, T637I.
Identifiers: ClinVar variation 820324 (VCV000820324.15), dbSNP rs369090032, ClinGen allele CA196586912.